The following is an entry in ClinVar:

NM_001367823.1(ARHGEF18):c.2590G>A (p.Glu864Lys)

Gene: ARHGEF18 (Rho/Rac guanine nucleotide exchange factor 18; plus strand). Cytogenetic location: 19p13.2.
Variant type: single nucleotide variant.
Coding change: c.2590G>A on transcript NM_001367823.1 (MANE Select); coding-DNA position 2590, G replaced by A.
Protein change: p.Glu864Lys; replaces glutamic acid 864 with lysine.
Molecular consequence: missense variant.
Genome position (GRCh38, 1-based): chr19:7,462,289, G>A. VCF-style: chr19-7462289-G-A. GRCh37 (hg19) VCF-style: chr19-7527175-G-A.
Other names: c.1864G>A, p.Glu622Lys (NM_001130955.2); c.1552G>A, p.Glu518Lys (NM_001367824.1, NM_015318.4); short protein forms E518K, E622K, E864K.
Identifiers: ClinVar variation 852011 (VCV000852011.9), dbSNP rs1306773521, ClinGen allele CA403081312.

ClinVar aggregate classification (germline): Uncertain significance (1 of 4 stars; one submission).

Allele frequency attached by ClinVar (database versions not stated): TOPMed below 0.00001; gnomAD 0.00001 and 0.00002; gnomAD exomes 0.00001; 1000 Genomes Project 30x 0.00031.

Submission:

Labcorp Genetics (formerly Invitae), Labcorp
Classification: Uncertain significance. Last evaluated: 2024-10-16. Review status: criteria provided, single submitter. Criteria: Invitae Variant Classification Sherloc (09022015). Collection method: clinical testing. Allele origin: germline.
Comment: This sequence change replaces glutamic acid, which is acidic and polar, with lysine, which is basic and polar, at codon 676 of the ARHGEF18 protein (p.Glu676Lys). This variant is present in population databases (no rsID available, gnomAD 0.03%). This variant has not been reported in the literature in individuals affected with ARHGEF18-related conditions. ClinVar contains an entry for this variant (Variation ID: 852011). An algorithm developed to predict the effect of missense changes on protein structure and function (PolyPhen-2) suggests that this variant is likely to be disruptive. In summary, the available evidence is currently insufficient to determine the role of this variant in disease. Therefore, it has been classified as a Variant of Uncertain Significance.